The following is an entry in ClinVar:

ClinVar aggregate classification (germline): Likely benign. Review status: criteria provided, multiple submitters, no conflicts (2 of 4 stars). 4 submissions from 4 submitters: Likely benign (4). Last evaluated 2025-10-19.

Conditions:
Conotruncal heart malformations (CTHM). Also called: Conotruncal heart malformations, variable. Identifiers: Orphanet 2445, Orphanet 3384, Orphanet 3426, MedGen C1857586, MONDO:0016581, OMIM 217095.
Atrioventricular septal defect 5 (AVSD5). Identifiers: MedGen C3280939, MONDO:0013769, OMIM 614474.
Atrial septal defect 9 (ASD9). Identifiers: Orphanet 1478, MedGen C3280943, MONDO:0013770, OMIM 614475.
Heart defects, congenital, and other congenital anomalies. Also called: Pancreatic hypoplasia-diabetes-congenital heart disease syndrome; PANCREATIC HYPOPLASIA, CONGENITAL, WITH DIABETES MELLITUS AND CONGENITAL HEART DISEASE. Identifiers: Orphanet 2255, MedGen C2931296, MONDO:0010802, OMIM 600001.
Tetralogy of Fallot (TOF). Identifiers: Orphanet 3303, MedGen C0039685, MONDO:0008542, OMIM 187500, HP:0001636.

Allele frequency attached by ClinVar (database versions not stated): TOPMed 0.00006; gnomAD 0.00012; gnomAD exomes 0.00011.
gnomAD v4.1: 123 of 1,153,514 alleles (0.011%); highest among the groups gnomAD compares: Non-Finnish European, 0.012%; no homozygotes.

Submissions (4):

Labcorp Genetics (formerly Invitae), Labcorp
Classification: Likely benign for Atrioventricular septal defect 5. Last evaluated: 2025-10-19. Review status: criteria provided, single submitter. Criteria: Invitae Variant Classification Sherloc (09022015). Collection method: clinical testing. Allele origin: germline.

CeGaT Center for Human Genetics Tuebingen
Classification: Likely benign. Last evaluated: 2025-05-01. Review status: criteria provided, single submitter. Criteria: CeGaT Center For Human Genetics Tuebingen Variant Classification Criteria Version 2. Collection method: clinical testing. Allele origin: germline. Affected: yes. Observed: 1 variant allele.
Comment: GATA6: BP4, BP7

Blueprint Genetics
Classification: Likely benign. Last evaluated: 2024-11-18. Review status: criteria provided, single submitter. Criteria: ACMG Guidelines, 2015. Collection method: clinical testing. Allele origin: germline.

Fulgent Genetics
Classification: Likely benign for Tetralogy of Fallot; Conotruncal heart malformations; Heart defects, congenital, and other congenital anomalies; Atrioventricular septal defect 5; Atrial septal defect 9. Last evaluated: 2021-10-18. Review status: criteria provided, single submitter. Criteria: ACMG Guidelines, 2015. Collection method: clinical testing. Allele origin: unknown.

NM_005257.6(GATA6):c.735G>A (p.Gly245=)

Gene: GATA6 (GATA binding protein 6; plus strand). Cytogenetic location: 18q11.2.
Variant type: single nucleotide variant.
Coding change: c.735G>A on transcript NM_005257.6 (MANE Select); coding-DNA position 735, G replaced by A.
Protein change: p.Gly245=; no amino-acid change (glycine 245 retained).
Molecular consequence: synonymous variant.
Genome position (GRCh38, 1-based): chr18:22,171,879, G>A. VCF-style: chr18-22171879-G-A. GRCh37 (hg19) VCF-style: chr18-19751840-G-A.
Identifiers: ClinVar variation 700342 (VCV000700342.22), dbSNP rs1031755167, ClinGen allele CA297147813.
Genomic context (GRCh38, chr18:22,171,879, plus strand): 5'-GCCTCAGGCCTCGGCCGACAGCCCTCCATACGGCAGCGGAGGCGGCGCGGCTGGCGGCGG[G>A]GCCGCGGGGCCTGGCGGCGCTGGCTCAGCCGCGGCGCACGTCTCGGCGCGCTTCCCCTAC-3'
Protein context (NP_005248.2, residues 235-255): YGSGGGAAGG[Gly245=]AAGPGGAGSA